The following is an entry in ClinVar:

ClinVar aggregate classification (germline): Uncertain significance (1 of 4 stars; one submission).

Conditions:
Inborn genetic diseases. Identifiers: MedGen C0950123, MeSH D030342.

gnomAD v4.1: 3 of 1,613,836 alleles (0.00019%); highest among the groups gnomAD compares: Non-Finnish European, 0.00025%; no homozygotes.

Submission:

Ambry Genetics
Classification: Uncertain significance for Inborn genetic diseases. Last evaluated: 2026-03-06. Review status: criteria provided, single submitter. Criteria: Ambry Variant Classification Scheme 2023. Collection method: clinical testing. Allele origin: germline.
Comment: The p.N111S variant (also known as c.332A>G), located in coding exon 2 of the ERCC6L2 gene, results from an A to G substitution at nucleotide position 332. The asparagine at codon 111 is replaced by serine, an amino acid with highly similar properties. This amino acid position is conserved. In addition, this alteration is predicted to be tolerated by in silico analysis. Based on the available evidence, the clinical significance of this variant remains unclear.

NM_020207.7(ERCC6L2):c.332A>G (p.Asn111Ser)

Gene: ERCC6L2 (ERCC excision repair 6 like 2; plus strand). Cytogenetic location: 9q22.32.
Variant type: single nucleotide variant.
Coding change: c.332A>G on transcript NM_020207.7 (MANE Select); coding-DNA position 332, A replaced by G.
Protein change: p.Asn111Ser; replaces asparagine 111 with serine.
Molecular consequence: missense variant. On other transcripts: non-coding transcript variant (1).
Genome position (GRCh38, 1-based): chr9:95,881,154, A>G. VCF-style: chr9-95881154-A-G. GRCh37 (hg19) VCF-style: chr9-98643436-A-G.
Other names: c.332A>G, p.Asn111Ser (NM_001010895.4, NM_001375291.1, NM_001375292.1 and 2 more transcripts); short protein forms N111S.
Identifiers: ClinVar variation 4827685 (VCV004827685.1).